The following is an entry in ClinVar:

NM_001165963.4(SCN1A):c.931G>T (p.Glu311Ter)

Gene: SCN1A (sodium voltage-gated channel alpha subunit 1; minus strand). Cytogenetic location: 2q24.3.
Variant type: single nucleotide variant.
Coding change: c.931G>T on transcript NM_001165963.4 (MANE Select); coding-DNA position 931, G replaced by T.
Protein change: p.Glu311Ter; replaces glutamic acid 311 with a stop codon.
Molecular consequence: nonsense. On other transcripts: 5 prime UTR variant (1), non-coding transcript variant (1).
Genome position (GRCh38, 1-based): chr2:166,051,752, C>A on the plus strand (G>T on the coding strand, the complement: SCN1A is on the minus strand). VCF-style: chr2-166051752-C-A. GRCh37 (hg19) VCF-style: chr2-166908262-C-A.
Other names: c.931G>T, p.Glu311Ter (NM_001165964.3, NM_001202435.3, NM_001353948.2 and 10 more transcripts); c.-1495G>T (NM_001353961.2); short protein forms E311*.
Identifiers: ClinVar variation 2203199 (VCV002203199.4), dbSNP rs1553549500, ClinGen allele CA349072575.

ClinVar aggregate classification (germline): Pathogenic (1 of 4 stars; one submission).

Conditions:
Early-infantile DEE. Also called: Early infantile epileptic encephalopathy with suppression bursts; Early infantile epileptic encephalopathy; Ohtahara syndrome. Identifiers: Orphanet 1934, MedGen C0393706, MONDO:0800491.

Submission:

Labcorp Genetics (formerly Invitae), Labcorp
Classification: Pathogenic for Early-infantile DEE. Last evaluated: 2022-10-19. Review status: criteria provided, single submitter. Criteria: Invitae Variant Classification Sherloc (09022015). Collection method: clinical testing. Allele origin: germline.
Comment: This premature translational stop signal has been observed in individual(s) with clinical features of SCN1A-related conditions (PMID: 19522081). In at least one individual the variant was observed to be de novo. This sequence change creates a premature translational stop signal (p.Glu311*) in the SCN1A gene. It is expected to result in an absent or disrupted protein product. Loss-of-function variants in SCN1A are known to be pathogenic (PMID: 17347258, 18930999). This variant is not present in population databases (gnomAD no frequency). For these reasons, this variant has been classified as Pathogenic.

Literature cited by the submitters: PubMed 19522081; PubMed 17347258; PubMed 18930999.